The following is an entry in ClinVar:

Conditions:
Breast-ovarian cancer, familial, susceptibility to, 1 (BROVCA1). Also called: BRCA1 Hereditary Breast and Ovarian Cancer; OVARIAN CANCER, SUSCEPTIBILITY TO. Identifiers: Orphanet 145, MedGen C2676676, MONDO:0011450, OMIM 604370. Disease mechanism: loss of function.

Submission:

Brotman Baty Institute, University of Washington
No classification provided (evidence only). Condition: Breast-ovarian cancer, familial 1. Review status: no classification provided. Collection method: in vitro. Allele origin: not applicable. Functional consequence: functionally_abnormal.
ClinVar note: "not provided" was previously submitted as the classification for the variant. However, the classification appeared to be based only on an observation of functional data so it was converted to no classification on 2025-07-30.

NM_007294.4(BRCA1):c.4G>C (p.Asp2His)

Gene: BRCA1 (BRCA1 DNA repair associated; minus strand). Cytogenetic location: 17q21.31.
Variant type: single nucleotide variant.
Coding change: c.4G>C on transcript NM_007294.4 (MANE Select); coding-DNA position 4, G replaced by C.
Protein change: p.Asp2His; replaces aspartic acid 2 with histidine.
Molecular consequence: missense variant. On other transcripts: 5 prime UTR variant (1), non-coding transcript variant (1).
Genome position (GRCh38, 1-based): chr17:43,124,093, C>G on the plus strand (G>C on the coding strand, the complement: BRCA1 is on the minus strand). VCF-style: chr17-43124093-C-G. GRCh37 (hg19) VCF-style: chr17-41276110-C-G.
Other names: c.4G>C, p.Asp2His (NM_001407940.1, NM_001407941.1, NM_001407968.1 and 193 more transcripts); c.-254G>C (NM_001407942.1, NM_001408468.1, NM_001408501.1 and 11 more transcripts); c.-257G>C (NM_001407943.1, NM_001407944.1, NM_001408466.1 and 22 more transcripts); c.-84G>C (NM_001407945.1, NM_001408464.1, NM_001408467.1 and 23 more transcripts); c.-185G>C (NM_001407946.1, NM_001407947.1, NM_001407948.1 and 46 more transcripts); c.-304G>C (NM_001407954.1, NM_001408513.1, NM_001407917.1); c.-416G>C (NM_001407965.1); c.-258G>C (NM_001408465.1, NM_001407695.1); and 8 more; short protein forms D2H.
Identifiers: ClinVar variation 868681 (VCV000868681.3), dbSNP rs778775133, ClinGen allele CA10602151.